The following is an entry in ClinVar:

NM_001904.4(CTNNB1):c.1475dup (p.Val493fs)

Genes: CTNNB1 (catenin beta 1; plus strand), LOC126806659 (BRD4-independent group 4 enhancer GRCh37_chr3:41274918-41276117; plus strand). Cytogenetic location: 3p22.1.
Variant type: Duplication.
Coding change: c.1475dup on transcript NM_001904.4 (MANE Select); coding-DNA position 1475, one base duplicated (C; older notation c.1475dupC).
Protein change: p.Val493fs; shifts the reading frame from valine 493.
Molecular consequence: frameshift variant.
Genome position (GRCh38, 1-based): chr3:41,233,818, C duplicated; the last of 2 consecutive C bases (chr3:41,233,817-41,233,818); duplicating either gives the same sequence. VCF-style (leftmost placement, unchanged base first): chr3-41233816-A-AC. GRCh37 (hg19) VCF-style: chr3-41275307-A-AC.
Other names: c.1475dup, p.Val493fs (NM_001098209.2, NM_001098210.2); c.1454dup, p.Val486fs (NM_001330729.2); short protein forms V486fs, V493fs.
Identifiers: ClinVar variation 1394975 (VCV001394975.6), dbSNP rs2125640624, ClinGen allele CA2573136940.

ClinVar aggregate classification (germline): Pathogenic (1 of 4 stars; one submission).

Submission:

Labcorp Genetics (formerly Invitae), Labcorp
Classification: Pathogenic. Last evaluated: 2022-02-08. Review status: criteria provided, single submitter. Criteria: Invitae Variant Classification Sherloc (09022015). Collection method: clinical testing. Allele origin: germline.
Comment: For these reasons, this variant has been classified as Pathogenic. This sequence change creates a premature translational stop signal (p.Val493Serfs*4) in the CTNNB1 gene. It is expected to result in an absent or disrupted protein product. Loss-of-function variants in CTNNB1 are known to be pathogenic (PMID: 23033978, 24614104, 25326669, 26350204, 28575650). This variant is not present in population databases (gnomAD no frequency). This variant has not been reported in the literature in individuals affected with CTNNB1-related conditions.

Literature cited by the submitters: PubMed 23033978; PubMed 24614104; PubMed 25326669; PubMed 26350204; PubMed 28575650.